The following is an entry in ClinVar:

ClinVar aggregate classification (germline): Benign/Likely benign. Review status: criteria provided, multiple submitters, no conflicts (2 of 4 stars). 9 submissions from 9 submitters: Benign (5); Likely benign (2). 2 of the submissions do not count toward it. Last evaluated 2026-06-01.

Allele frequency attached by ClinVar (database versions not stated): 1000 Genomes Project 0.00080; 1000 Genomes Project 30x 0.00094; ExAC 0.00293; gnomAD exomes 0.00307 and 0.00385; gnomAD 0.00335; TOPMed 0.00349; ESP Exome Variant Server 0.00362.
gnomAD v4.1: 6,054 of 1,607,614 alleles (0.38%); highest among the groups gnomAD compares: Admixed American, 0.45%; 17 homozygotes.

Submissions (9):

CeGaT Center for Human Genetics Tuebingen
Classification: Likely benign. Last evaluated: 2026-06-01. Review status: criteria provided, single submitter. Criteria: CeGaT Center For Human Genetics Tuebingen Variant Classification Criteria Version 2. Collection method: clinical testing. Allele origin: germline. Affected: yes. Observed: 6 variant alleles.
Comment: SIX5: BP4, BP7, BS2

Labcorp Genetics (formerly Invitae), Labcorp
Classification: Benign. Last evaluated: 2026-02-01. Review status: criteria provided, single submitter. Criteria: Invitae Variant Classification Sherloc (09022015). Collection method: clinical testing. Allele origin: germline.

Blueprint Genetics
Classification: Likely benign. Last evaluated: 2024-11-25. Review status: criteria provided, single submitter. Criteria: ACMG Guidelines, 2015. Collection method: clinical testing. Allele origin: germline.

Athena Diagnostics
Classification: Benign. Last evaluated: 2019-05-20. Review status: criteria provided, single submitter. Criteria: Athena Diagnostics Criteria. Collection method: clinical testing. Allele origin: germline.

GeneDx
Classification: Benign. Last evaluated: 2018-06-08. Review status: criteria provided, single submitter. Criteria: GeneDx Variant Classification (06012015). Collection method: clinical testing. Allele origin: germline. Affected: yes.
Comment: This variant is considered likely benign or benign based on one or more of the following criteria: it is a conservative change, it occurs at a poorly conserved position in the protein, it is predicted to be benign by multiple in silico algorithms, and/or has population frequency not consistent with disease.

Eurofins Ntd Llc (ga)
Classification: Benign. Last evaluated: 2017-11-02. Review status: criteria provided, single submitter. Criteria: EGL Classification Definitions 2015. Collection method: clinical testing. Allele origin: germline. Observed: 1 variant allele, 1 heterozygote.

Breakthrough Genomics
Classification: Benign. Review status: criteria provided, single submitter. Criteria: ACMG Guidelines, 2015. Collection method: not provided. Allele origin: germline. Inheritance: Unknown mechanism. Affected: yes.

Clinical Genetics DNA and cytogenetics Diagnostics Lab, Erasmus MC, Erasmus Medical Center
Classification: Likely benign. Review status: no assertion criteria provided. Collection method: clinical testing. Allele origin: germline. Affected: yes. Study: VKGL Data-share Consensus. Not counted in ClinVar's aggregate classification.

Joint Genome Diagnostic Labs from Nijmegen and Maastricht, Radboudumc and MUMC+
Classification: Benign. Review status: no assertion criteria provided. Collection method: clinical testing. Allele origin: germline. Affected: yes. Study: VKGL Data-share Consensus. Not counted in ClinVar's aggregate classification.

NM_175875.5(SIX5):c.732G>A (p.Gln244=)

Genes: DM1-AS (DM1 locus antisense RNA; plus strand), SIX5 (SIX homeobox 5; minus strand), LOC107075317 (origin of replication in DMPK trinucleotide repeat region; plus strand). Cytogenetic location: 19q13.32.
Variant type: single nucleotide variant.
Coding change: c.732G>A on transcript NM_175875.5 (MANE Select); coding-DNA position 732, G replaced by A.
Protein change: p.Gln244=; no amino-acid change (glutamine 244 retained).
Molecular consequence: synonymous variant. On other transcripts: non-coding transcript variant (1).
Genome position (GRCh38, 1-based): chr19:45,768,113, C>T on the plus strand (G>A on the coding strand, the complement: SIX5 is on the minus strand). VCF-style: chr19-45768113-C-T. GRCh37 (hg19) VCF-style: chr19-46271371-C-T.
Identifiers: ClinVar variation 594586 (VCV000594586.44), dbSNP rs141944211, ClinGen allele CA9520785.